The following is an entry in ClinVar:

ClinVar aggregate classification (germline): Uncertain significance (1 of 4 stars; one submission).

Conditions:
Dystonia 12 (DYT12). Also called: Rapid-Onset Dystonia-Parkinsonism (RDP); DYT-ATP1A3. Identifiers: Orphanet 71517, MedGen C1868681, MONDO:0007496, OMIM 128235.

Submission:

Labcorp Genetics (formerly Invitae), Labcorp
Classification: Uncertain significance for Dystonia 12. Last evaluated: 2025-06-22. Review status: criteria provided, single submitter. Criteria: Invitae Variant Classification Sherloc (09022015). Collection method: clinical testing. Allele origin: germline.
Comment: This sequence change affects codon 539 of the ATP1A3 mRNA. It is a 'silent' change, meaning that it does not change the encoded amino acid sequence of the ATP1A3 protein. This variant is not present in population databases (gnomAD no frequency). This variant has not been reported in the literature in individuals affected with ATP1A3-related conditions. ClinVar contains an entry for this variant (Variation ID: 3668615). Algorithms developed to predict the effect of sequence changes on RNA splicing suggest that this variant may disrupt the consensus splice site. In summary, the available evidence is currently insufficient to determine the role of this variant in disease. Therefore, it has been classified as a Variant of Uncertain Significance.

NM_152296.5(ATP1A3):c.1617C>T (p.Gly539=)

Gene: ATP1A3 (ATPase Na+/K+ transporting subunit alpha 3; minus strand). Cytogenetic location: 19q13.2.
Variant type: single nucleotide variant.
Coding change: c.1617C>T on transcript NM_152296.5 (MANE Select); coding-DNA position 1617, C replaced by T.
Protein change: p.Gly539=; no amino-acid change (glycine 539 retained).
Molecular consequence: synonymous variant.
Genome position (GRCh38, 1-based): chr19:41,978,619, G>A on the plus strand (C>T on the coding strand, the complement: ATP1A3 is on the minus strand). VCF-style: chr19-41978619-G-A. GRCh37 (hg19) VCF-style: chr19-42482771-G-A.
Other names: c.1650C>T, p.Gly550= (NM_001256213.2); c.1656C>T, p.Gly552= (NM_001256214.2).
Identifiers: ClinVar variation 3668615 (VCV003668615.2).